The following is an entry in ClinVar:

ClinVar aggregate classification (germline): Uncertain significance (1 of 4 stars; one submission).

Conditions:
Familial cancer of breast. Also called: BREAST CANCER, FAMILIAL; Hereditary breast cancer; hereditary breast carcinoma. Identifiers: Orphanet 227535, MedGen C0346153, MONDO:0016419, OMIM 114480. Disease mechanism: loss of function.

Submission:

Labcorp Genetics (formerly Invitae), Labcorp
Classification: Uncertain significance for Familial cancer of breast. Last evaluated: 2025-09-22. Review status: criteria provided, single submitter. Criteria: Invitae Variant Classification Sherloc (09022015). Collection method: clinical testing. Allele origin: germline.
Comment: This sequence change falls in intron 5 of the BARD1 gene. It does not directly change the encoded amino acid sequence of the BARD1 protein. It affects a nucleotide within the consensus splice site. This variant is not present in population databases (gnomAD no frequency). This variant has not been reported in the literature in individuals affected with BARD1-related conditions. Variants that disrupt the consensus splice site are a relatively common cause of aberrant splicing (PMID: 17576681, 9536098). RNA analysis provides insufficient evidence to determine the effect of this variant on BARD1 splicing (internal data). In summary, the available evidence is currently insufficient to determine the role of this variant in disease. Therefore, it has been classified as a Variant of Uncertain Significance.

Literature cited by the submitters: PubMed 17576681; PubMed 9536098.

NM_000465.4(BARD1):c.1395+5T>C

Gene: BARD1 (BRCA1 associated RING domain 1; minus strand). Cytogenetic location: 2q35.
Variant type: single nucleotide variant.
Coding change: c.1395+5T>C on transcript NM_000465.4 (MANE Select); 5 bases into the intron after coding-DNA position 1395, T replaced by C.
Molecular consequence: intron variant.
Genome position (GRCh38, 1-based): chr2:214,769,227, A>G on the plus strand (T>C on the coding strand, the complement: BARD1 is on the minus strand). VCF-style: chr2-214769227-A-G. GRCh37 (hg19) VCF-style: chr2-215633951-A-G.
Other names: c.159-16672T>C (NM_001282548.2); c.1338+5T>C (NM_001282543.2); c.216-16672T>C (NM_001282545.2); c.364+23070T>C (NM_001282549.2).
Identifiers: ClinVar variation 4812102 (VCV004812102.1).
Genomic context (GRCh38, chr2:214,769,227, plus strand): 5'-ACATAACTATAAACTATAAGAACTGTAAAACACAGAAAGAATGAGAATAAAAACCAGACA[A>G]CTACCAATGGTGTCCATCCAGCATGGTCTTTAACATTTGGATCACTTCCATTTTGTAAAA-3'